The following is an entry in ClinVar:

NM_020975.6(RET):c.2437C>T (p.Arg813Trp)

Gene: RET (ret proto-oncogene; plus strand). Cytogenetic location: 10q11.21.
Variant type: single nucleotide variant.
Coding change: c.2437C>T on transcript NM_020975.6 (MANE Select); coding-DNA position 2437, C replaced by T.
Protein change: p.Arg813Trp; replaces arginine 813 with tryptophan.
Molecular consequence: missense variant.
Genome position (GRCh38, 1-based): chr10:43,119,575, C>T. VCF-style: chr10-43119575-C-T. GRCh37 (hg19) VCF-style: chr10-43615023-C-T.
Other names: c.2437C>T, p.Arg813Trp (NM_000323.2, NM_001406743.1, NM_001406744.1 and 4 more transcripts); c.1675C>T, p.Arg559Trp (NM_001355216.2); c.2308C>T, p.Arg770Trp (NM_001406761.1, NM_001406762.1, NM_001406764.1); c.2302C>T, p.Arg768Trp (NM_001406763.1, NM_001406765.1); c.2149C>T, p.Arg717Trp (NM_001406766.1, NM_001406767.1, NM_001406770.1); c.2173C>T, p.Arg725Trp (NM_001406768.1); c.2041C>T, p.Arg681Trp (NM_001406769.1, NM_001406772.1); c.1999C>T, p.Arg667Trp (NM_001406771.1, NM_001406773.1); and 10 more; short protein forms R813W, R559W, R471W, R474W, R571W, R330W, R469W, R483W.
Identifiers: ClinVar variation 599633 (VCV000599633.12), dbSNP rs779996040, ClinGen allele CA039261.

ClinVar aggregate classification (germline): Uncertain significance. Review status: criteria provided, multiple submitters, no conflicts (2 of 4 stars). 4 submissions from 4 submitters: Uncertain significance (2). 2 of the submissions do not count toward it. Last evaluated 2025-10-14.

Conditions:
Hereditary cancer-predisposing syndrome. Also called: Neoplastic Syndromes, Hereditary; Hereditary neoplastic syndrome; Tumor predisposition; Hereditary Cancer Syndrome. Identifiers: Orphanet 140162, MedGen C0027672, MeSH D009386, MONDO:0015356.
Multiple endocrine neoplasia, type 2 (MEN2). Identifiers: Orphanet 653, MedGen C4048306, MONDO:0019003. Disease mechanism: gain of function.
RET-related disorder. Also called: RET-related disorders; RET-related condition; RET-related disease.
Aganglionic megacolon (HSCR). Also called: Hirschsprung's disease; Hirschsprung disease. Identifiers: Orphanet 388, MedGen C0019569, MeSH D006627, MONDO:0018309, HP:0002251.

Allele frequency attached by ClinVar (database versions not stated): ExAC 0.00001; gnomAD exomes 0.00001.
gnomAD v4.1: 4 of 1,610,414 alleles (0.00025%); highest among the groups gnomAD compares: African/African-American, 0.0013%; no homozygotes.

Submissions (4):

Labcorp Genetics (formerly Invitae), Labcorp
Classification: Uncertain significance for Multiple endocrine neoplasia, type 2. Last evaluated: 2025-10-14. Review status: criteria provided, single submitter. Criteria: Invitae Variant Classification Sherloc (09022015). Collection method: clinical testing. Allele origin: germline.
Comment: This sequence change replaces arginine, which is basic and polar, with tryptophan, which is neutral and slightly polar, at codon 813 of the RET protein (p.Arg813Trp). This variant is present in population databases (rs779996040, gnomAD 0.005%). This missense change has been observed in individual(s) with Hirschsprung disease (PMID: 12214285, 12865274, 30031151). ClinVar contains an entry for this variant (Variation ID: 599633). An algorithm developed to predict the effect of missense changes on protein structure and function (PolyPhen-2) suggests that this variant is likely to be disruptive. In summary, the available evidence is currently insufficient to determine the role of this variant in disease. Therefore, it has been classified as a Variant of Uncertain Significance.

Ambry Genetics
Classification: Uncertain significance for Hereditary cancer-predisposing syndrome. Last evaluated: 2024-07-03. Review status: criteria provided, single submitter. Criteria: Ambry Variant Classification Scheme 2023. Collection method: clinical testing. Allele origin: germline.
Comment: The p.R813W variant (also known as c.2437C>T), located in coding exon 14 of the RET gene, results from a C to T substitution at nucleotide position 2437. The arginine at codon 813 is replaced by tryptophan, an amino acid with dissimilar properties. This variant has been detected in patients with sporadic Hirschsprung disease (Lantieri F et al. Ann Hum Genet, 2006 Jan;70:12-26; Virtanen VB et al. Eur J Med Genet, 2019 Apr;62:229-234). This amino acid position is highly conserved in available vertebrate species. In addition, this alteration is predicted to be deleterious by in silico analysis. Based on the available evidence, the clinical significance of this variant remains unclear.

PreventionGenetics, part of Exact Sciences
Classification: Uncertain significance for RET-related condition. Last evaluated: 2024-03-12. Review status: no assertion criteria provided. Collection method: clinical testing. Allele origin: germline. Not counted in ClinVar's aggregate classification.
Comment: The RET c.2437C>T variant is predicted to result in the amino acid substitution p.Arg813Trp. This variant has been reported in the heterozygous state in an individual with Hirschsprung disease (HSCR) characterized by rectosigmoid aganglionosis (Virtanen et al. 2019. PubMed ID: 30031151, Table 1). This variant has also been reported in an unaffected father and a child with HSCR (Griseri et al. 2002. PubMed ID: 12214285, Family 1). Alternate nucleotide changes affecting the same amino acid (p.Arg813Gln and p.Arg813Leu) have also been reported in individuals with RET-related phenotypes however, pathogenicity has not been conclusively established (Auricchio et al. 1999. PubMed ID: 10090908; Chatterjee. 2012. PubMed ID: 22729463; Jannot et al. 2012. PubMed ID: 22395866). This variant is reported in 0.0049% of alleles in individuals of European (Finnish) descent in gnomAD. At this time, the clinical significance of this variant is uncertain due to the absence of conclusive functional and genetic evidence.

Human Genomics Unit, Institute for molecular medicine Finland (FIMM)
Classification: Likely pathogenic for Hirschsprung disease. Last evaluated: 2013-01-01. Review status: no assertion criteria provided. Collection method: research. Allele origin: unknown. Affected: yes. Observed: 1 variant allele. Not counted in ClinVar's aggregate classification.

Literature cited by the submitters: PubMed 12214285 (cited by Labcorp Genetics (formerly Invitae), Labcorp); PubMed 12865274 (cited by Labcorp Genetics (formerly Invitae), Labcorp); PubMed 30031151 (cited by Labcorp Genetics (formerly Invitae), Labcorp and Ambry Genetics); PubMed 16441254 (cited by Ambry Genetics).